The following is an entry in ClinVar:

NM_004260.4(RECQL4):c.1878+32_1879-27del

Gene: RECQL4 (RecQ like helicase 4; minus strand). Cytogenetic location: 8q24.3.
Variant type: Deletion.
Coding change: c.1878+32_1879-27del on transcript NM_004260.4 (MANE Select); 32 bases into the intron after coding-DNA position 1878 through 27 bases into the intron before coding-DNA position 1879, 24 bases deleted (AGGGCCGGGATGGGCTGGGCGGCC).
Molecular consequence: intron variant.
Genome position (GRCh38, 1-based): chr8:144,514,134-144,514,157, GGCCGCCCAGCCCATCCCGGCCCT deleted on the plus strand (AGGGCCGGGATGGGCTGGGCGGCC on the coding strand, the reverse complement: RECQL4 is on the minus strand); deleting any 24 consecutive bases within chr8:144,514,134-144,514,166 gives the same sequence; the c. name uses the placement nearest the transcript's 3' end. VCF-style (leftmost placement, unchanged base first): chr8-144514133-AGGCCGCCCAGCCCATCCCGGCCCT-A. GRCh37 (hg19) VCF-style: chr8-145739517-AGGCCGCCCAGCCCATCCCGGCCCT-A.
Other names: c.1749+32_1750-27del (NM_001413025.1); c.1527+32_1528-27del (NM_001413029.1); c.741+32_742-27del (NM_001413032.1, NM_001413027.1, NM_001413030.1 and 1 more transcripts); c.807+32_808-27del (NM_001413035.1, NM_001413040.1, NM_001413021.1 and 6 more transcripts); c.1782+32_1783-27del (NM_001413017.1, NM_001413020.1); c.1848+32_1849-27del (NM_001413039.1); c.1746+32_1747-27del (NM_001413033.1); c.1878+32_1879-27del (NM_001413018.1, NM_001413036.1, NM_001413019.1); and 4 more.
Identifiers: ClinVar variation 3906473 (VCV003906473.1).

ClinVar aggregate classification (germline): Pathogenic (1 of 4 stars; one submission).

Submission:

GeneDx
Classification: Pathogenic. Last evaluated: 2024-12-19. Review status: criteria provided, single submitter. Criteria: GeneDx Variant Classification Process June 2021. Collection method: clinical testing. Allele origin: germline. Affected: yes.
Comment: Published functional studies demonstrate a damaging effect (PMID: 29642415); Not observed at significant frequency in large population cohorts (gnomAD); Also known as c.1878+32_1878+55del24; This variant is associated with the following publications: (PMID: 29642415, 18716613, 12734318)